The following is an entry in ClinVar:

NM_020822.3(KCNT1):c.2902C>T (p.Arg968Cys)

Gene: KCNT1 (potassium sodium-activated channel subfamily T member 1; plus strand). Cytogenetic location: 9q34.3.
Variant type: single nucleotide variant.
Coding change: c.2902C>T on transcript NM_020822.3 (MANE Select); coding-DNA position 2902, C replaced by T.
Protein change: p.Arg968Cys; replaces arginine 968 with cysteine.
Molecular consequence: missense variant.
Genome position (GRCh38, 1-based): chr9:135,784,084, C>T. VCF-style: chr9-135784084-C-T. GRCh37 (hg19) VCF-style: chr9-138675930-C-T.
Other names: c.2902C>T (NM_020822.2); c.2767C>T, p.Arg923Cys (NM_001272003.2); short protein forms R923C, R968C.
Identifiers: ClinVar variation 3752956 (VCV003752956.3).
Genomic context (GRCh38, chr9:135,784,084, plus strand): 5'-AGGGAGCGAGAGAATGGCTCCAACCTGGCCTTCATGTTCCGCCTGCCGTTCGCCGCCGGC[C>T]GCGTCTTCAGCATCAGCATGTTGGACACACTGCTCTACCAGGTCAGCGGGGAAGCGGCAG-3'
Protein context (NP_065873.2, residues 958-978): FMFRLPFAAG[Arg968Cys]VFSISMLDTL

ClinVar aggregate classification (germline): Uncertain significance. Review status: criteria provided, multiple submitters, no conflicts (2 of 4 stars). 2 submissions from 2 submitters: Uncertain significance (2). Last evaluated 2026-01-14.

Conditions:
Autosomal dominant nocturnal frontal lobe epilepsy 5. Also called: KCNT1-Related Epilepsy; CILIARY DYSKINESIA, PRIMARY, 28, WITHOUT SITUS INVERSUS; CILIARY DYSKINESIA, PRIMARY, 28, WITH SITUS INVERSUS; Epilepsy, nocturnal frontal lobe, 5. Identifiers: Orphanet 98784, MedGen C3554306, MONDO:0014002, OMIM 615005.
Developmental and epileptic encephalopathy, 14 (DEE14). Also called: Early infantile epileptic encephalopathy 14. Identifiers: Orphanet 293181, MedGen C3554195, MONDO:0013989, OMIM 614959.
Inborn genetic diseases. Identifiers: MedGen C0950123, MeSH D030342.

gnomAD v4.1: 5 of 1,605,834 alleles (0.00031%); highest among the groups gnomAD compares: East Asian, 0.0022%; no homozygotes.

Submissions (2):

Ambry Genetics
Classification: Uncertain significance for Inborn genetic diseases. Last evaluated: 2026-01-14. Review status: criteria provided, single submitter. Criteria: Ambry Variant Classification Scheme 2023. Collection method: clinical testing. Allele origin: germline.

Labcorp Genetics (formerly Invitae), Labcorp
Classification: Uncertain significance for Autosomal dominant nocturnal frontal lobe epilepsy 5; Developmental and epileptic encephalopathy, 14. Last evaluated: 2024-09-30. Review status: criteria provided, single submitter. Criteria: Invitae Variant Classification Sherloc (09022015). Collection method: clinical testing. Allele origin: germline.
Comment: This sequence change replaces arginine, which is basic and polar, with cysteine, which is neutral and slightly polar, at codon 968 of the KCNT1 protein (p.Arg968Cys). This variant is present in population databases (rs201987364, gnomAD 0.007%). This variant has not been reported in the literature in individuals affected with KCNT1-related conditions. Invitae Evidence Modeling of protein sequence and biophysical properties (such as structural, functional, and spatial information, amino acid conservation, physicochemical variation, residue mobility, and thermodynamic stability) indicates that this missense variant is not expected to disrupt KCNT1 protein function with a negative predictive value of 80%. In summary, the available evidence is currently insufficient to determine the role of this variant in disease. Therefore, it has been classified as a Variant of Uncertain Significance.